The following is an entry in ClinVar:

NM_001378120.1(MBD5):c.1227G>C (p.Leu409Phe)

Gene: MBD5 (methyl-CpG binding domain protein 5; plus strand). Cytogenetic location: 2q23.1.
Variant type: single nucleotide variant.
Coding change: c.1227G>C on transcript NM_001378120.1 (MANE Select); coding-DNA position 1227, G replaced by C.
Protein change: p.Leu409Phe; replaces leucine 409 with phenylalanine.
Molecular consequence: missense variant.
Genome position (GRCh38, 1-based): chr2:148,469,170, G>C. VCF-style: chr2-148469170-G-C. GRCh37 (hg19) VCF-style: chr2-149226739-G-C.
Other names: c.1227G>C, p.Leu409Phe (NM_018328.5); short protein forms L409F.
Identifiers: ClinVar variation 2572368 (VCV002572368.2), dbSNP rs1287461182, ClinGen allele CA348719241.

ClinVar aggregate classification (germline): Uncertain significance. Review status: criteria provided, multiple submitters, no conflicts (2 of 4 stars). 2 submissions from 2 submitters: Uncertain significance (2). Last evaluated 2025-02-18.

Conditions:
Intellectual developmental disorder, autosomal dominant 1. Also called: MBD5 Haploinsufficiency; Intellectual disability, autosomal dominant 1. Identifiers: Orphanet 228402, MedGen C1969562, MONDO:0007974, OMIM 156200.

Submissions (2):

Labcorp Genetics (formerly Invitae), Labcorp
Classification: Uncertain significance for Intellectual developmental disorder, autosomal dominant 1. Last evaluated: 2025-02-18. Review status: criteria provided, single submitter. Criteria: Invitae Variant Classification Sherloc (09022015). Collection method: clinical testing. Allele origin: germline.
Comment: This sequence change replaces leucine, which is neutral and non-polar, with phenylalanine, which is neutral and non-polar, at codon 409 of the MBD5 protein (p.Leu409Phe). This variant is not present in population databases (gnomAD no frequency). This variant has not been reported in the literature in individuals affected with MBD5-related conditions. ClinVar contains an entry for this variant (Variation ID: 2572368). Invitae Evidence Modeling of protein sequence and biophysical properties (such as structural, functional, and spatial information, amino acid conservation, physicochemical variation, residue mobility, and thermodynamic stability) has been performed for this missense variant. However, the output from this modeling did not meet the statistical confidence thresholds required to predict the impact of this variant on MBD5 protein function. In summary, the available evidence is currently insufficient to determine the role of this variant in disease. Therefore, it has been classified as a Variant of Uncertain Significance.

Greenwood Genetic Center Diagnostic Laboratories, Greenwood Genetic Center
Classification: Uncertain significance. Last evaluated: 2023-04-04. Review status: criteria provided, single submitter. Criteria: ACMG Guidelines, 2015. Collection method: clinical testing. Allele origin: germline. Affected: yes.
Comment: PM2